The following is an entry in ClinVar:

ClinVar aggregate classification (germline): Uncertain significance (1 of 4 stars; one submission).

gnomAD v4.1: 4 of 1,171,294 alleles (0.00034%); highest among the groups gnomAD compares: Non-Finnish European, 0.00046%; no homozygotes.

Submission:

GeneDx
Classification: Uncertain significance. Last evaluated: 2023-06-30. Review status: criteria provided, single submitter. Criteria: GeneDx Variant Classification Process June 2021. Collection method: clinical testing. Allele origin: germline. Affected: yes.
Comment: Has not been previously published as pathogenic or benign to our knowledge; Not observed at significant frequency in large population cohorts (gnomAD); In silico analysis suggests this variant may impact gene splicing. In the absence of RNA/functional studies, the actual effect of this sequence change is unknown.

NM_004187.5(KDM5C):c.2623-4G>A

Gene: KDM5C (lysine demethylase 5C; minus strand). Cytogenetic location: Xp11.22.
Variant type: single nucleotide variant.
Coding change: c.2623-4G>A on transcript NM_004187.5 (MANE Select); 4 bases into the intron before coding-DNA position 2623, G replaced by A.
Molecular consequence: intron variant.
Genome position (GRCh38, 1-based): chrX:53,197,048, C>T on the plus strand (G>A on the coding strand, the complement: KDM5C is on the minus strand). VCF-style: chrX-53197048-C-T. GRCh37 (hg19) VCF-style: chrX-53226230-C-T.
Other names: c.2620-4G>A (NM_001353982.2, NM_001353979.2, NM_001282622.3); c.2623-4G>A (NM_001353981.2, NM_001353984.2, NM_001353978.3); c.2422-4G>A (NM_001146702.2).
Identifiers: ClinVar variation 2575727 (VCV002575727.1), dbSNP rs1210725648, ClinGen allele CA876254785.